The following is an entry in ClinVar:

Single allele

Variant type: Deletion.
Identifiers: ClinVar variation 157367 (VCV000157367.2).

ClinVar aggregate classification (germline): not provided (0 of 4 stars; one submission).

Conditions:
Gestational diabetes mellitus uncontrolled. Identifiers: MedGen C3532257.

Submission:

Institute of Molecular and Cell Biology, University of Tartu
No classification provided. Condition: Gestational diabetes mellitus uncontrolled. Review status: no classification provided. Collection method: case-control. Allele origin: unknown. Affected: yes. Study: Kasak2014.
Comment: The study aimed to determine the contribution of copy number variants in the genetic etiology of normal and complicated pregnancies. The samples represented (i) maternal blood DNA drawn from healthy pregnant women during 1st or 2nd trimester and (ii) maternal and paternal blood DNA drawn at term pregnancy cases representing normal and complicated gestations (severe preeclampsia, PE; gestational diabetes, GD; small-for-gestational age newborn, SGA; large-for-gestational age newborn, LGA). We performed CNV calling based on genome-wide genotyping dataset (Illumina HumanOmniExpress-24-v1 BeadChip) by applying three algorithms, QuantiSNP, GADA (Genome Alteration Detection Algorithm) and CNstream in parallel. The acquired CNV calls were merged with HD-CNV (Hotspot Detector for Copy Number Variants) program and only the CNVs predicted by at least two programs, were considered in subsequent analysis.

Literature cited by the submitters: PubMed 25666259.